The following is an entry in ClinVar:

ClinVar aggregate classification (germline): Likely pathogenic (1 of 4 stars; one submission).

Conditions:
Hereditary cancer-predisposing syndrome. Also called: Hereditary Cancer Syndrome; Neoplastic Syndromes, Hereditary; Hereditary neoplastic syndrome; Tumor predisposition. Identifiers: Orphanet 140162, MedGen C0027672, MeSH D009386, MONDO:0015356.
Cardiovascular phenotype. Identifiers: MedGen CN230736.

Submission:

Ambry Genetics
Classification: Likely pathogenic for Cardiovascular phenotype; Hereditary cancer-predisposing syndrome. Last evaluated: 2025-12-02. Review status: criteria provided, single submitter. Criteria: Ambry Variant Classification Scheme 2023. Collection method: clinical testing. Allele origin: germline.
Comment: The p.P2080R variant (also known as c.6239C>G), located in coding exon 41 of the NF1 gene, results from a C to G substitution at nucleotide position 6239. The proline at codon 2080 is replaced by arginine, an amino acid with dissimilar properties. This variant was reported in individual(s) with features consistent with Neurofibromatosis type 1 (Ambry internal data). This missense alteration is located in a region that has a low rate of benign missense variation (Lek M et al. Nature. 2016 Aug 18;536(7616):285-91; DECIPHER: Database of Chromosomal Imbalance and Phenotype in Humans using Ensembl Resources. Firth H.V. et al. 2009. Am.J.Hum.Genet. 84, 524-533 (DOI)). This amino acid position is highly conserved in available vertebrate species. In addition, this alteration is predicted to be deleterious by in silico analysis. This variant is considered to be rare based on population cohorts in the Genome Aggregation Database (gnomAD). Based on the majority of available evidence to date, this variant is likely to be pathogenic.

NM_001042492.3(NF1):c.6302C>G (p.Pro2101Arg)

Gene: NF1 (neurofibromin 1; plus strand). Cytogenetic location: 17q11.2.
Variant type: single nucleotide variant.
Coding change: c.6302C>G on transcript NM_001042492.3 (MANE Select); coding-DNA position 6302, C replaced by G.
Protein change: p.Pro2101Arg; replaces proline 2101 with arginine.
Molecular consequence: missense variant.
Genome position (GRCh38, 1-based): chr17:31,336,789, C>G. VCF-style: chr17-31336789-C-G. GRCh37 (hg19) VCF-style: chr17-29663807-C-G.
Other names: c.6239C>G, p.Pro2080Arg (NM_000267.4); short protein forms P2080R, P2101R.
Identifiers: ClinVar variation 429010 (VCV000429010.6), dbSNP rs756746198, ClinGen allele CA399012244.